The following is an entry in ClinVar:

NM_001195553.2(DCX):c.947-46T>C

Gene: DCX (doublecortin; minus strand). Cytogenetic location: Xq23.
Variant type: single nucleotide variant.
Coding change: c.947-46T>C on transcript NM_001195553.2 (MANE Select); 46 bases into the intron before coding-DNA position 947, T replaced by C.
Molecular consequence: intron variant.
Genome position (GRCh38, 1-based): chrX:111,312,782, A>G on the plus strand (T>C on the coding strand, the complement: DCX is on the minus strand). VCF-style: chrX-111312782-A-G. GRCh37 (hg19) VCF-style: chrX-110556010-A-G.
Other names: c.932-11039T>C (NM_001369373.1, NM_001369374.1); c.932-46T>C (NM_178153.3, NM_001369372.1, NM_178151.3); c.947-46T>C (NM_178152.3, NM_001369371.1, NM_001369370.1); c.1175-46T>C (NM_000555.3).
Identifiers: ClinVar variation 262927 (VCV000262927.7), dbSNP rs113181679, ClinGen allele CA10493256.

ClinVar aggregate classification (germline): Benign/Likely benign. Review status: criteria provided, multiple submitters, no conflicts (2 of 4 stars). 4 submissions from 4 submitters: Benign (1); Likely benign (3). Last evaluated 2018-06-19.

Allele frequency attached by ClinVar (database versions not stated): TOPMed 0.01277; gnomAD exomes 0.01369 and 0.02142; ExAC 0.01428; 1000 Genomes Project 0.00715; 1000 Genomes Project 30x 0.00832; gnomAD 0.01340 and 0.01329; ESP Exome Variant Server 0.01553.
gnomAD v4.1: 23,247 of 1,133,172 alleles (2.1%); highest among the groups gnomAD compares: Non-Finnish European, 2.5%; 240 homozygotes.

Submissions (4):

GeneDx
Classification: Likely benign. Last evaluated: 2018-06-19. Review status: criteria provided, single submitter. Criteria: GeneDx Variant Classification (06012015). Collection method: clinical testing. Allele origin: germline. Affected: yes.
Comment: This variant is considered likely benign or benign based on one or more of the following criteria: it is a conservative change, it occurs at a poorly conserved position in the protein, it is predicted to be benign by multiple in silico algorithms, and/or has population frequency not consistent with disease.

Eurofins Ntd Llc (ga)
Classification: Benign. Last evaluated: 2017-02-10. Review status: criteria provided, single submitter. Criteria: EGL Classification Definitions 2015. Collection method: clinical testing. Allele origin: germline. Observed: 1 variant allele, 1 heterozygote.

Breakthrough Genomics
Classification: Likely benign. Review status: criteria provided, single submitter. Criteria: ACMG Guidelines, 2015. Collection method: not provided. Allele origin: germline. Inheritance: X-linked inheritance. Affected: yes.

PreventionGenetics, part of Exact Sciences
Classification: Likely benign. Review status: criteria provided, single submitter. Criteria: ACMG Guidelines, 2015. Collection method: clinical testing. Allele origin: germline.